The following is an entry in ClinVar:

ClinVar aggregate classification (germline): Benign/Likely benign. Review status: criteria provided, multiple submitters, no conflicts (2 of 4 stars). 2 submissions from 2 submitters: Benign (1); Likely benign (1). Last evaluated 2025-12-22.

Conditions:
Intellectual disability, CASK-related, X-linked. Identifiers: MedGen CN043158.

Submissions (2):

Labcorp Genetics (formerly Invitae), Labcorp
Classification: Benign for Intellectual disability, CASK-related, X-linked. Last evaluated: 2025-12-22. Review status: criteria provided, single submitter. Criteria: Invitae Variant Classification Sherloc (09022015). Collection method: clinical testing. Allele origin: germline.

GeneDx
Classification: Likely benign. Last evaluated: 2016-11-25. Review status: criteria provided, single submitter. Criteria: GeneDx Variant Classification (06012015). Collection method: clinical testing. Allele origin: germline. Affected: yes.
Comment: This variant is considered likely benign or benign based on one or more of the following criteria: it is a conservative change, it occurs at a poorly conserved position in the protein, it is predicted to be benign by multiple in silico algorithms, and/or has population frequency not consistent with disease.

NM_001367721.1(CASK):c.430-27_430-20del

Gene: CASK (calcium/calmodulin dependent serine protein kinase; minus strand). Cytogenetic location: Xp11.4.
Variant type: Microsatellite.
Coding change: c.430-27_430-20del on transcript NM_001367721.1 (MANE Select); 27 bases into the intron before coding-DNA position 430 through 20 bases into the intron before coding-DNA position 430, 8 bases deleted (TGTTTGTT; older notation c.430-27_430-20delTGTTTGTT).
Molecular consequence: intron variant.
Genome position (GRCh38, 1-based): chrX:41,671,550-41,671,557, AACAAACA deleted on the plus strand (TGTTTGTT on the coding strand, the reverse complement: CASK is on the minus strand); deleting any 8 consecutive bases within chrX:41,671,550-41,671,563 gives the same sequence; the c. name uses the placement nearest the transcript's 3' end. VCF-style (leftmost placement, unchanged base first): chrX-41671549-GAACAAACA-G. GRCh37 (hg19) VCF-style: chrX-41530802-GAACAAACA-G.
Other names: c.430-27_430-20delTGTTTGTT (NM_003688.3); c.430-27_430-20del (NM_001126055.3, NM_001410745.1, NM_001126054.3 and 1 more transcripts).
Identifiers: ClinVar variation 422706 (VCV000422706.9), dbSNP rs200962618, ClinGen allele CA10390377.